The following is an entry in ClinVar:

NM_014975.3(MAST1):c.2318T>C (p.Ile773Thr)

Genes: MAST1 (microtubule associated serine/threonine kinase 1; plus strand), LOC112543452 (Sharpr-MPRA regulatory region 6054; plus strand). Cytogenetic location: 19p13.13.
Variant type: single nucleotide variant.
Coding change: c.2318T>C on transcript NM_014975.3 (MANE Select); coding-DNA position 2318, T replaced by C.
Protein change: p.Ile773Thr; replaces isoleucine 773 with threonine.
Molecular consequence: missense variant.
Genome position (GRCh38, 1-based): chr19:12,867,652, T>C. VCF-style: chr19-12867652-T-C. GRCh37 (hg19) VCF-style: chr19-12978466-T-C.
Other names: short protein forms I773T.
Identifiers: ClinVar variation 3600896 (VCV003600896.1).

ClinVar aggregate classification (germline): Uncertain significance (1 of 4 stars; one submission).

gnomAD v4.1: 2 of 1,589,394 alleles (0.00013%); highest among the groups gnomAD compares: Non-Finnish European, 0.000086%; no homozygotes.

Submission:

GeneDx
Classification: Uncertain significance. Last evaluated: 2024-07-27. Review status: criteria provided, single submitter. Criteria: GeneDx Variant Classification Process June 2021. Collection method: clinical testing. Allele origin: germline. Affected: yes.
Comment: Not observed at significant frequency in large population cohorts (gnomAD); In silico analysis supports that this missense variant has a deleterious effect on protein structure/function; Has not been previously published as pathogenic or benign to our knowledge